The following is an entry in ClinVar:

NM_001029883.3(PCARE):c.824_827del (p.Val275fs)

Gene: PCARE (photoreceptor cilium actin regulator; minus strand). Cytogenetic location: 2p23.2.
Variant type: Deletion.
Coding change: c.824_827del on transcript NM_001029883.3 (MANE Select); coding-DNA positions 824 to 827, 4 bases deleted (TCAG; older notation c.824_827delTCAG).
Protein change: p.Val275fs; shifts the reading frame from valine 275.
Molecular consequence: frameshift variant.
Genome position (GRCh38, 1-based): chr2:29,073,435-29,073,438, CTGA deleted on the plus strand (TCAG on the coding strand, the reverse complement: PCARE is on the minus strand); deleting any 4 consecutive bases within chr2:29,073,435-29,073,441 gives the same sequence; the c. name uses the placement nearest the transcript's 3' end. VCF-style (leftmost placement, unchanged base first): chr2-29073434-GCTGA-G. GRCh37 (hg19) VCF-style: chr2-29296300-GCTGA-G.
Other names: short protein forms V275fs.
Identifiers: ClinVar variation 2728103 (VCV002728103.3), dbSNP rs1365675953, ClinGen allele CA531766675.
Genomic context (GRCh38, chr2:29,073,434, plus strand): 5'-GGAGCCCTCCAGGAAGCTGCCGGTGAGCGAGGCCACTGTGCCATTGAGCACCTGCAGCTT[GCTGA>G]CTGTGTACTGTAGCAGCTGTTGCAGGAGATTTGGCTGCTCCTGGGGCTCTCTTTTCTTCA-3'

ClinVar aggregate classification (germline): Pathogenic (1 of 4 stars; one submission).

Submission:

Labcorp Genetics (formerly Invitae), Labcorp
Classification: Pathogenic. Last evaluated: 2023-09-04. Review status: criteria provided, single submitter. Criteria: Invitae Variant Classification Sherloc (09022015). Collection method: clinical testing. Allele origin: germline.
Comment: This variant is present in population databases (no rsID available, gnomAD 0.003%). This sequence change creates a premature translational stop signal (p.Val275Alafs*36) in the PCARE gene. It is expected to result in an absent or disrupted protein product. Loss-of-function variants in PCARE are known to be pathogenic (PMID: 20398886, 24339724, 26496393). This variant has not been reported in the literature in individuals affected with PCARE-related conditions. For these reasons, this variant has been classified as Pathogenic.

Literature cited by the submitters: PubMed 20398886; PubMed 24339724; PubMed 26496393.